The following is an entry in ClinVar:

ClinVar aggregate classification (germline): Uncertain significance (1 of 4 stars; one submission).

Submission:

GeneDx
Classification: Uncertain significance. Last evaluated: 2024-08-08. Review status: criteria provided, single submitter. Criteria: GeneDx Variant Classification Process June 2021. Collection method: clinical testing. Allele origin: germline. Affected: yes.
Comment: Not observed at significant frequency in large population cohorts (gnomAD); In silico analysis indicates that this missense variant does not alter protein structure/function; Has not been previously published as pathogenic or benign to our knowledge

NM_001281775.3(ZMYND8):c.2105C>T (p.Ser702Leu)

Gene: ZMYND8 (zinc finger MYND-type containing 8; minus strand). Cytogenetic location: 20q13.12.
Variant type: single nucleotide variant.
Coding change: c.2105C>T on transcript NM_001281775.3 (MANE Select); coding-DNA position 2105, C replaced by T.
Protein change: p.Ser702Leu; replaces serine 702 with leucine.
Molecular consequence: missense variant.
Genome position (GRCh38, 1-based): chr20:47,246,187, G>A on the plus strand (C>T on the coding strand, the complement: ZMYND8 is on the minus strand). VCF-style: chr20-47246187-G-A. GRCh37 (hg19) VCF-style: chr20-45874931-G-A.
Other names: c.2030C>T, p.Ser677Leu (NM_001281777.3, NM_001281778.3, NM_001281782.3 and 2 more transcripts); c.1301C>T, p.Ser434Leu (NM_001281779.3, NM_001281780.3); c.1889C>T, p.Ser630Leu (NM_001281781.3, NM_001281784.3); c.2105C>T, p.Ser702Leu (NM_001281783.3, NM_012408.6, NM_183047.4 and 1 more transcripts); c.2126C>T, p.Ser709Leu (NM_001363714.1); c.2045C>T, p.Ser682Leu (NM_001363741.2, NM_001281772.3, NM_001281773.3 and 1 more transcripts); short protein forms S434L, S630L, S677L, S682L, S702L, S709L.
Identifiers: ClinVar variation 3603128 (VCV003603128.1).